The following is an entry in ClinVar:

NM_001166108.2(PALLD):c.743A>G (p.Asp248Gly)

Gene: PALLD (palladin, cytoskeletal associated protein; plus strand). Cytogenetic location: 4q32.3.
Variant type: single nucleotide variant.
Coding change: c.743A>G on transcript NM_001166108.2 (MANE Select); coding-DNA position 743, A replaced by G.
Protein change: p.Asp248Gly; replaces aspartic acid 248 with glycine.
Molecular consequence: missense variant.
Genome position (GRCh38, 1-based): chr4:168,512,247, A>G. VCF-style: chr4-168512247-A-G. GRCh37 (hg19) VCF-style: chr4-169433398-A-G.
Other names: c.743A>G, p.Asp248Gly (NM_016081.4); short protein forms D248G.
Identifiers: ClinVar variation 1758914 (VCV001758914.3), dbSNP rs767769054, ClinGen allele CA358728182.

ClinVar aggregate classification (germline): Uncertain significance (1 of 4 stars; one submission).

Allele frequency attached by ClinVar (database versions not stated): TOPMed below 0.00001.

Submission:

Ambry Genetics
Classification: Uncertain significance. Last evaluated: 2024-11-03. Review status: criteria provided, single submitter. Criteria: Ambry Variant Classification Scheme 2023. Collection method: clinical testing. Allele origin: germline.
Comment: The p.D248G variant (also known as c.743A>G), located in coding exon 1 of the PALLD gene, results from an A to G substitution at nucleotide position 743. The aspartic acid at codon 248 is replaced by glycine, an amino acid with similar properties. This amino acid position is conserved. In addition, this alteration is predicted to be tolerated by in silico analysis. Since supporting evidence is limited at this time, the clinical significance of this alteration remains unclear.